The following is an entry in ClinVar:

NM_182914.3(SYNE2):c.13510C>G (p.Gln4504Glu)

Gene: SYNE2 (spectrin repeat containing nuclear envelope protein 2; plus strand). Cytogenetic location: 14q23.2.
Variant type: single nucleotide variant.
Coding change: c.13510C>G on transcript NM_182914.3 (MANE Select); coding-DNA position 13510, C replaced by G.
Protein change: p.Gln4504Glu; replaces glutamine 4504 with glutamic acid.
Molecular consequence: missense variant.
Genome position (GRCh38, 1-based): chr14:64,125,166, C>G. VCF-style: chr14-64125166-C-G. GRCh37 (hg19) VCF-style: chr14-64591884-C-G.
Other names: c.13510C>G, p.Gln4504Glu (NM_015180.6); short protein forms Q4504E.
Identifiers: ClinVar variation 701823 (VCV000701823.13), dbSNP rs372861398, ClinGen allele CA7222468.

ClinVar aggregate classification (germline): Conflicting classifications of pathogenicity. Review status: criteria provided, conflicting classifications (1 of 4 stars). 4 submissions from 4 submitters: Uncertain significance (1); Likely benign (2). 1 of the submissions does not count toward it. Last evaluated 2025-10-21.

Conditions:
Emery-Dreifuss muscular dystrophy 5, autosomal dominant (EDMD5). Also called: EMERY-DREIFUSS MUSCULAR DYSTROPHY 5. Identifiers: Orphanet 261, MedGen C2751805, MONDO:0013072, OMIM 612999.
SYNE2-related disorder. Also called: SYNE2-related condition.

Allele frequency attached by ClinVar (database versions not stated): gnomAD 0.00001 and 0.00015; TOPMed 0.00006; gnomAD exomes 0.00023 and 0.00037; ExAC 0.00040; 1000 Genomes Project 0.00120; 1000 Genomes Project 30x 0.00125.
gnomAD v4.1: 390 of 1,614,142 alleles (0.024%); highest among the groups gnomAD compares: South Asian, 0.31%; 8 homozygotes.

Submissions (4):

Labcorp Genetics (formerly Invitae), Labcorp
Classification: Likely benign for Emery-Dreifuss muscular dystrophy 5, autosomal dominant. Last evaluated: 2025-10-21. Review status: criteria provided, single submitter. Criteria: Invitae Variant Classification Sherloc (09022015). Collection method: clinical testing. Allele origin: germline.

Ambry Genetics
Classification: Uncertain significance. Last evaluated: 2025-08-13. Review status: criteria provided, single submitter. Criteria: Ambry Variant Classification Scheme 2023. Collection method: clinical testing. Allele origin: germline.

Blueprint Genetics
Classification: Likely benign. Last evaluated: 2024-10-14. Review status: criteria provided, single submitter. Criteria: ACMG Guidelines, 2015. Collection method: clinical testing. Allele origin: germline.

PreventionGenetics, part of Exact Sciences
Classification: Likely benign for SYNE2-related condition. Last evaluated: 2022-09-07. Review status: no assertion criteria provided. Collection method: clinical testing. Allele origin: germline. Not counted in ClinVar's aggregate classification.
Comment: This variant is classified as likely benign based on ACMG/AMP sequence variant interpretation guidelines (Richards et al. 2015 PMID: 25741868, with internal and published modifications).